The following is an entry in ClinVar:

ClinVar aggregate classification (germline): Uncertain significance. Review status: criteria provided, multiple submitters, no conflicts (2 of 4 stars). 2 submissions from 2 submitters: Uncertain significance (2). Last evaluated 2025-04-30.

Conditions:
Emery-Dreifuss muscular dystrophy 5, autosomal dominant (EDMD5). Also called: EMERY-DREIFUSS MUSCULAR DYSTROPHY 5. Identifiers: Orphanet 261, MedGen C2751805, MONDO:0013072, OMIM 612999.

Allele frequency attached by ClinVar (database versions not stated): gnomAD exomes 0.00001; ExAC 0.00002; TOPMed 0.00002.
gnomAD v4.1: 13 of 1,614,136 alleles (0.00081%); highest among the groups gnomAD compares: East Asian, 0.027%; no homozygotes.

Submissions (2):

Labcorp Genetics (formerly Invitae), Labcorp
Classification: Uncertain significance for Emery-Dreifuss muscular dystrophy 5, autosomal dominant. Last evaluated: 2025-04-30. Review status: criteria provided, single submitter. Criteria: Invitae Variant Classification Sherloc (09022015). Collection method: clinical testing. Allele origin: germline.
Comment: This sequence change replaces serine, which is neutral and polar, with alanine, which is neutral and non-polar, at codon 2197 of the SYNE2 protein (p.Ser2197Ala). This variant is present in population databases (rs761170679, gnomAD 0.06%), and has an allele count higher than expected for a pathogenic variant. This variant has not been reported in the literature in individuals affected with SYNE2-related conditions. ClinVar contains an entry for this variant (Variation ID: 2470743). An algorithm developed to predict the effect of missense changes on protein structure and function (PolyPhen-2) suggests that this variant is likely to be disruptive. In summary, the available evidence is currently insufficient to determine the role of this variant in disease. Therefore, it has been classified as a Variant of Uncertain Significance.

Ambry Genetics
Classification: Uncertain significance. Last evaluated: 2023-02-27. Review status: criteria provided, single submitter. Criteria: Ambry Variant Classification Scheme 2023. Collection method: clinical testing. Allele origin: germline.

NM_182914.3(SYNE2):c.6589T>G (p.Ser2197Ala)

Gene: SYNE2 (spectrin repeat containing nuclear envelope protein 2; plus strand). Cytogenetic location: 14q23.2.
Variant type: single nucleotide variant.
Coding change: c.6589T>G on transcript NM_182914.3 (MANE Select); coding-DNA position 6589, T replaced by G.
Protein change: p.Ser2197Ala; replaces serine 2197 with alanine.
Molecular consequence: missense variant.
Genome position (GRCh38, 1-based): chr14:64,027,668, T>G. VCF-style: chr14-64027668-T-G. GRCh37 (hg19) VCF-style: chr14-64494386-T-G.
Other names: c.6589T>G, p.Ser2197Ala (NM_015180.6); short protein forms S2197A.
Identifiers: ClinVar variation 2470743 (VCV002470743.3), dbSNP rs761170679, ClinGen allele CA7220726.